The following is an entry in ClinVar:

NM_001035.3(RYR2):c.1401T>A (p.Asp467Glu)

Gene: RYR2 (ryanodine receptor 2; plus strand). Cytogenetic location: 1q43.
Variant type: single nucleotide variant.
Coding change: c.1401T>A on transcript NM_001035.3 (MANE Select); coding-DNA position 1401, T replaced by A.
Protein change: p.Asp467Glu; replaces aspartic acid 467 with glutamic acid.
Molecular consequence: missense variant.
Genome position (GRCh38, 1-based): chr1:237,454,499, T>A. VCF-style: chr1-237454499-T-A. GRCh37 (hg19) VCF-style: chr1-237617799-T-A.
Other names: short protein forms D467E.
Identifiers: ClinVar variation 1011977 (VCV001011977.8), dbSNP rs1658569816, ClinGen allele CA345380442.

ClinVar aggregate classification (germline): Uncertain significance (1 of 4 stars; one submission).

Conditions:
Catecholaminergic polymorphic ventricular tachycardia 1. Also called: VENTRICULAR TACHYCARDIA, STRESS-INDUCED POLYMORPHIC 1; VENTRICULAR TACHYCARDIA, CATECHOLAMINERGIC POLYMORPHIC, 1, WITH OR WITHOUT ATRIAL DYSFUNCTION AND/OR DILATED CARDIOMYOPATHY; RYR2-Related Catecholaminergic Polymorphic Ventricular Tachycardia. Identifiers: Orphanet 3286, MedGen C1631597, MONDO:0011484, OMIM 604772.

Allele frequency attached by ClinVar (database versions not stated): gnomAD exomes below 0.00001.
gnomAD v4.1: 1 of 1,613,514 alleles (0.000062%); highest among the groups gnomAD compares: Non-Finnish European, 0.000085%; no homozygotes.

Submission:

Labcorp Genetics (formerly Invitae), Labcorp
Classification: Uncertain significance for Catecholaminergic polymorphic ventricular tachycardia 1. Last evaluated: 2023-09-23. Review status: criteria provided, single submitter. Criteria: Invitae Variant Classification Sherloc (09022015). Collection method: clinical testing. Allele origin: germline.
Comment: In summary, the available evidence is currently insufficient to determine the role of this variant in disease. Therefore, it has been classified as a Variant of Uncertain Significance. Advanced modeling of protein sequence and biophysical properties (such as structural, functional, and spatial information, amino acid conservation, physicochemical variation, residue mobility, and thermodynamic stability) performed at Invitae indicates that this missense variant is not expected to disrupt RYR2 protein function. ClinVar contains an entry for this variant (Variation ID: 1011977). This variant has not been reported in the literature in individuals affected with RYR2-related conditions. This variant is not present in population databases (gnomAD no frequency). This sequence change replaces aspartic acid, which is acidic and polar, with glutamic acid, which is acidic and polar, at codon 467 of the RYR2 protein (p.Asp467Glu).